The following is an entry in ClinVar:

NM_004453.4(ETFDH):c.1333T>C (p.Trp445Arg)

Gene: ETFDH (electron transfer flavoprotein dehydrogenase; plus strand). Cytogenetic location: 4q32.1.
Variant type: single nucleotide variant.
Coding change: c.1333T>C on transcript NM_004453.4 (MANE Select); coding-DNA position 1333, T replaced by C.
Protein change: p.Trp445Arg; replaces tryptophan 445 with arginine.
Molecular consequence: missense variant.
Genome position (GRCh38, 1-based): chr4:158,706,236, T>C. VCF-style: chr4-158706236-T-C. GRCh37 (hg19) VCF-style: chr4-159627388-T-C.
Other names: c.1333T>C (NM_004453.3); c.1192T>C, p.Trp398Arg (NM_001281737.2); c.1150T>C, p.Trp384Arg (NM_001281738.1); short protein forms W384R, W398R, W445R.
Identifiers: ClinVar variation 1053949 (VCV001053949.12), dbSNP rs1156517377, ClinGen allele CA358563808.

ClinVar aggregate classification (germline): Conflicting classifications of pathogenicity. Review status: criteria provided, conflicting classifications (1 of 4 stars). 5 submissions from 5 submitters: Pathogenic (2); Likely pathogenic (1); Uncertain significance (1). 1 of the submissions does not count toward it. Last evaluated 2025-07-06.

Conditions:
Multiple acyl-CoA dehydrogenase deficiency (MADD). Also called: Glutaric aciduria, type 2; Glutaric Acidemia type 2; ETHYLMALONIC-ADIPICACIDURIA; GA II; Glutaric acidemia type II; GA 2. Identifiers: Orphanet 26791, MedGen C0268596, MONDO:0009282, OMIM 231680.
Glutaric acidemia type 2C.

Allele frequency attached by ClinVar (database versions not stated): gnomAD exomes below 0.00001 and 0.00001; gnomAD 0.00001; TOPMed 0.00001.
gnomAD v4.1: 15 of 1,612,428 alleles (0.00093%); highest among the groups gnomAD compares: Non-Finnish European, 0.0013%; no homozygotes.

Submissions (5):

Labcorp Genetics (formerly Invitae), Labcorp
Classification: Pathogenic for Multiple acyl-CoA dehydrogenase deficiency. Last evaluated: 2025-07-06. Review status: criteria provided, single submitter. Criteria: Invitae Variant Classification Sherloc (09022015). Collection method: clinical testing. Allele origin: germline.
Comment: This sequence change replaces tryptophan, which is neutral and slightly polar, with arginine, which is basic and polar, at codon 445 of the ETFDH protein (p.Trp445Arg). This variant is present in population databases (no rsID available, gnomAD 0.0009%). This missense change has been observed in individual(s) with multiple acyl-CoA dehydrogenase deficiency (PMID: 28468868; internal data). In at least one individual the data is consistent with being in trans (on the opposite chromosome) from a pathogenic variant. ClinVar contains an entry for this variant (Variation ID: 1053949). Invitae Evidence Modeling of protein sequence and biophysical properties (such as structural, functional, and spatial information, amino acid conservation, physicochemical variation, residue mobility, and thermodynamic stability) indicates that this missense variant is not expected to disrupt ETFDH protein function with a negative predictive value of 80%. For these reasons, this variant has been classified as Pathogenic.

Department of Human Genetics, Hannover Medical School
Classification: Pathogenic for Multiple acyl-CoA dehydrogenase deficiency. Last evaluated: 2025-01-22. Review status: criteria provided, single submitter. Criteria: ACMG Guidelines, 2015. Collection method: clinical testing. Allele origin: germline. Inheritance: Autosomal recessive inheritance. Affected: yes.
Comment: ACMG: PM1_Supporting, PM2_Supporting, PM3_Supporting, PP3_Moderate, PP4_Strong

Fulgent Genetics
Classification: Likely pathogenic for Multiple acyl-CoA dehydrogenase deficiency. Last evaluated: 2024-04-03. Review status: criteria provided, single submitter. Criteria: ACMG Guidelines, 2015. Collection method: clinical testing. Allele origin: germline.

Women's Health and Genetics/Laboratory Corporation of America, LabCorp
Classification: Uncertain significance. Last evaluated: 2022-11-10. Review status: criteria provided, single submitter. Criteria: LabCorp Variant Classification Summary - May 2015. Collection method: clinical testing. Allele origin: germline.
Comment: Variant summary: ETFDH c.1333T>C (p.Trp445Arg) results in a non-conservative amino acid change in the encoded protein sequence. Five of five in-silico tools predict a damaging effect of the variant on protein function. The variant allele was found at a frequency of 4e-06 in 251320 control chromosomes. c.1333T>C has been reported in the literature in an individual affected with Multiple acyl-CoA dehydrogenase deficiency (Ghosh_2017), and this patient was reported as compound heterozygous with another (likely) pathogenic variant. These data indicate that the variant may be associated with disease. To our knowledge, no experimental evidence demonstrating an impact on protein function has been reported. Two clinical diagnostic laboratories have submitted clinical-significance assessments for this variant to ClinVar after 2014 without evidence for independent evaluation. One laboratory classified the variant as pathogenic, and one laboratory classified the variant as uncertain significance. Based on the evidence outlined above, the variant was classified as VUS-possibly pathogenic.

Natera, Inc.
Classification: Uncertain significance for Glutaric acidemia type 2C. Last evaluated: 2020-07-02. Review status: no assertion criteria provided. Collection method: clinical testing. Allele origin: germline. Not counted in ClinVar's aggregate classification.

Literature cited by the submitters: PubMed 28468868 (cited by Labcorp Genetics (formerly Invitae), Labcorp and Women's Health and Genetics/Laboratory Corporation of America, LabCorp).